The following is an entry in ClinVar:

ClinVar aggregate classification (germline): Uncertain significance. Review status: criteria provided, multiple submitters, no conflicts (2 of 4 stars). 2 submissions from 2 submitters: Uncertain significance (2). Last evaluated 2023-05-17.

Conditions:
Granulomatous disease, chronic, autosomal recessive, cytochrome b-positive, type 3. Also called: GRANULOMATOUS DISEASE, CHRONIC, AUTOSOMAL RECESSIVE, 3; CGD, AUTOSOMAL RECESSIVE CYTOCHROME b-POSITIVE, TYPE III; GRANULOMATOUS DISEASE, CHRONIC, DUE TO NCF4 DEFICIENCY; Granulomatous disease, chronic, autosomal recessive, cytochrome b-positive, type III. Identifiers: Orphanet 379, MedGen C3151409, MONDO:0013507, OMIM 613960.

Allele frequency attached by ClinVar (database versions not stated): TOPMed 0.00002.
gnomAD v4.1: 3 of 1,613,442 alleles (0.00019%); highest among the groups gnomAD compares: African/African-American, 0.0013%; no homozygotes.

Submissions (2):

Ambry Genetics
Classification: Uncertain significance. Last evaluated: 2023-05-17. Review status: criteria provided, single submitter. Criteria: Ambry Variant Classification Scheme 2023. Collection method: clinical testing. Allele origin: germline.

Labcorp Genetics (formerly Invitae), Labcorp
Classification: Uncertain significance for Granulomatous disease, chronic, autosomal recessive, cytochrome b-positive, type 3. Last evaluated: 2020-04-27. Review status: criteria provided, single submitter. Criteria: Invitae Variant Classification Sherloc (09022015). Collection method: clinical testing. Allele origin: germline.
Comment: This variant is not present in population databases (ExAC no frequency). In summary, the available evidence is currently insufficient to determine the role of this variant in disease. Therefore, it has been classified as a Variant of Uncertain Significance. Algorithms developed to predict the effect of missense changes on protein structure and function are either unavailable or do not agree on the potential impact of this missense change (SIFT: "Tolerated"; PolyPhen-2: "Possibly Damaging"; Align-GVGD: "Class C0"). This variant has not been reported in the literature in individuals with NCF4-related conditions. This sequence change replaces proline with histidine at codon 333 of the NCF4 protein (p.Pro333His). The proline residue is weakly conserved and there is a moderate physicochemical difference between proline and histidine.

NM_000631.5(NCF4):c.759-6C>A

Gene: NCF4 (neutrophil cytosolic factor 4; plus strand). Cytogenetic location: 22q12.3.
Variant type: single nucleotide variant.
Coding change: c.759-6C>A on transcript NM_000631.5 (MANE Select); 6 bases into the intron before coding-DNA position 759, C replaced by A.
Molecular consequence: intron variant. On other transcripts: missense variant (1).
Genome position (GRCh38, 1-based): chr22:36,876,023, C>A. VCF-style: chr22-36876023-C-A. GRCh37 (hg19) VCF-style: chr22-37272065-C-A.
Other names: c.998C>A, p.Pro333His (NM_013416.4); short protein forms P333H.
Identifiers: ClinVar variation 855161 (VCV000855161.11), dbSNP rs202038330, ClinGen allele CA411390334.